The following is an entry in ClinVar:

NM_014946.4(SPAST):c.1173+2dup

Gene: SPAST (spastin; plus strand). Cytogenetic location: 2p22.3.
Variant type: Duplication.
Coding change: c.1173+2dup on transcript NM_014946.4 (MANE Select); the canonical splice donor site of the intron after coding-DNA position 1173, one base duplicated (T; older notation c.1173+2dupT).
Molecular consequence: splice donor variant.
Genome position (GRCh38, 1-based): chr2:32,127,024, T duplicated. VCF-style (leftmost placement, unchanged base first): chr2-32127023-G-GT. GRCh37 (hg19) VCF-style: chr2-32352092-G-GT.
Other names: c.1074+2dup (NM_001363875.2); c.1077+2dup (NM_199436.2, NM_001377959.1); c.1170+2dup (NM_001363823.2).
Identifiers: ClinVar variation 2734150 (VCV002734150.3), dbSNP rs2465861078, ClinGen allele CA2586964701.

ClinVar aggregate classification (germline): Uncertain significance (1 of 4 stars; one submission).

Conditions:
Hereditary spastic paraplegia 4. Also called: Familial spastic paraplegia autosomal dominant 2; Spastic paraplegia 4, autosomal dominant; Spastic Paraplegia 4. Identifiers: Orphanet 100985, MedGen C1866855, MONDO:0008438, OMIM 182601.

Submission:

Labcorp Genetics (formerly Invitae), Labcorp
Classification: Uncertain significance for Hereditary spastic paraplegia 4. Last evaluated: 2023-10-18. Review status: criteria provided, single submitter. Criteria: Invitae Variant Classification Sherloc (09022015). Collection method: clinical testing. Allele origin: germline.
Comment: This sequence change falls in intron 8 of the SPAST gene. It does not directly change the encoded amino acid sequence of the SPAST protein. It affects a nucleotide within the consensus splice site. This variant is not present in population databases (gnomAD no frequency). This variant has been observed in individuals with SPAST-related conditions (PMID: 27334366; Invitae). Variants that disrupt the consensus splice site are a relatively common cause of aberrant splicing (PMID: 17576681, 9536098). Algorithms developed to predict the effect of sequence changes on RNA splicing suggest that this variant may disrupt the consensus splice site. In summary, the available evidence is currently insufficient to determine the role of this variant in disease. Therefore, it has been classified as a Variant of Uncertain Significance.

Literature cited by the submitters: PubMed 27334366; PubMed 17576681; PubMed 9536098.